The following is an entry in ClinVar:

NM_000138.5(FBN1):c.2895G>A (p.Glu965=)

Gene: FBN1 (fibrillin 1; minus strand). Cytogenetic location: 15q21.1.
Variant type: single nucleotide variant.
Coding change: c.2895G>A on transcript NM_000138.5 (MANE Select); coding-DNA position 2895, G replaced by A.
Protein change: p.Glu965=; no amino-acid change (glutamic acid 965 retained).
Molecular consequence: synonymous variant.
Genome position (GRCh38, 1-based): chr15:48,490,038, C>T on the plus strand (G>A on the coding strand, the complement: FBN1 is on the minus strand). VCF-style: chr15-48490038-C-T. GRCh37 (hg19) VCF-style: chr15-48782235-C-T.
Other names: p.E965E:GAG>GAA; p.Glu965=.
Identifiers: ClinVar variation 42320 (VCV000042320.102), dbSNP rs140591, ClinGen allele CA013504.

ClinVar aggregate classification (germline): Conflicting classifications of pathogenicity. Review status: criteria provided, conflicting classifications (1 of 4 stars). 20 submissions from 14 submitters: Uncertain significance (1); Benign (10); Likely benign (7). 2 of the submissions do not count toward it. Last evaluated 2026-02-04.

Conditions:
Geleophysic dysplasia. Identifiers: Orphanet 2623, MedGen C3489726, MONDO:0000127.
Weill-Marchesani syndrome. Also called: WM Syndrome; Mesodermal dysmorphodystrophy congenital. Identifiers: Orphanet 3449, MedGen C0265313, MONDO:0018096.
Familial thoracic aortic aneurysm and aortic dissection (TAAD). Also called: Thoracic aortic aneurysms and dissections. Identifiers: Orphanet 91387, MedGen C4707243, MONDO:0019625.
Marfan syndrome (MFS). Also called: Marfan syndrome type 1; Marfan's syndrome; MARFAN SYNDROME, TYPE I; Marfan syndrome, classic; FBN1-Related Marfan Syndrome. Identifiers: Orphanet 284963, Orphanet 558, MedGen C0024796, MONDO:0007947, OMIM 154700.
Acromicric dysplasia (ACMICD). Also called: Acromicric skeletal dysplasia. Identifiers: Orphanet 969, MedGen C0265287, MONDO:0007055, OMIM 102370.
Stiff skin syndrome (SSKS). Identifiers: Orphanet 2833, MedGen C1861456, MONDO:0008492, OMIM 184900.
Ectopia lentis 1, isolated, autosomal dominant (ECTOL1). Identifiers: Orphanet 1885, MedGen C3541518, MONDO:0007514, OMIM 129600.

Allele frequency attached by ClinVar (database versions not stated): gnomAD exomes 0.00033; gnomAD 0.00036 and 0.00038; ExAC 0.00040; TOPMed 0.00027; ESP Exome Variant Server 0.00077.
gnomAD v4.1: 424 of 1,614,030 alleles (0.026%); highest among the groups gnomAD compares: Non-Finnish European, 0.024%; no homozygotes.

Submissions (20):

Labcorp Genetics (formerly Invitae), Labcorp
Classification: Likely benign for Marfan syndrome; Familial thoracic aortic aneurysm and aortic dissection. Last evaluated: 2026-02-04. Review status: criteria provided, single submitter. Criteria: Invitae Variant Classification Sherloc (09022015). Collection method: clinical testing. Allele origin: germline.

CeGaT Center for Human Genetics Tuebingen
Classification: Likely benign. Last evaluated: 2025-10-01. Review status: criteria provided, single submitter. Criteria: CeGaT Center For Human Genetics Tuebingen Variant Classification Criteria Version 2. Collection method: clinical testing. Allele origin: germline. Affected: yes. Observed: 14 variant alleles.
Comment: FBN1: BP4, BP7

Mayo Clinic Laboratories, Mayo Clinic
Classification: Likely benign. Last evaluated: 2024-12-26. Review status: criteria provided, single submitter. Criteria: ACMG Guidelines, 2015. Collection method: clinical testing. Allele origin: germline. Observed: 3 variant alleles.
Comment: BS1, BP4, BP7

Blueprint Genetics
Classification: Likely benign. Last evaluated: 2024-11-26. Review status: criteria provided, single submitter. Criteria: ACMG Guidelines, 2015. Collection method: clinical testing. Allele origin: germline.

ARUP Laboratories, Molecular Genetics and Genomics, ARUP Laboratories
Classification: Benign. Last evaluated: 2024-09-15. Review status: criteria provided, single submitter. Criteria: ARUP Molecular Germline Variant Investigation Process 2024. Collection method: clinical testing. Allele origin: germline.

All of Us Research Program, National Institutes of Health
Classification: Benign for Marfan syndrome. Last evaluated: 2024-02-05. Review status: criteria provided, single submitter. Criteria: ACMG Guidelines, 2015. Collection method: clinical testing. Allele origin: germline. Inheritance: Autosomal dominant inheritance. Observed: 109 variant alleles, 109 heterozygotes.
Comment: This study involves interpretation of variants in research participants for the purpose of population health screening. Participant phenotype was not available at the time of variant classification. Additional details can be found in publication PMID: 35346344, PMCID: PMC8962531

Center for Human Genetics, Inc
Classification: Likely benign for Marfan syndrome. Last evaluated: 2018-06-01. Review status: criteria provided, single submitter. Criteria: ACMG Guidelines, 2015. Collection method: clinical testing. Allele origin: germline. Affected: yes.

Color Diagnostics, LLC DBA Color Health
Classification: Benign for Familial thoracic aortic aneurysm and aortic dissection. Last evaluated: 2018-04-13. Review status: criteria provided, single submitter. Criteria: ACMG Guidelines, 2015. Collection method: clinical testing. Allele origin: germline.

Illumina Laboratory Services, Illumina
Classification: Benign for Weill-Marchesani syndrome. Last evaluated: 2018-01-13. Review status: criteria provided, single submitter. Criteria: ICSL Variant Classification Criteria 13 December 2019. Collection method: clinical testing. Allele origin: germline.
Comment: This variant was observed as part of a predisposition screen in an ostensibly healthy population. A literature search was performed for the gene, cDNA change, and amino acid change (where applicable). No publications were found based on this search. Allele frequency data from public databases was too high to be consistent with this variant causing disease. Therefore, this variant is classified as benign.

Illumina Laboratory Services, Illumina
Classification: Likely benign for Marfan syndrome. Last evaluated: 2018-01-13. Review status: criteria provided, single submitter. Criteria: ICSL Variant Classification Criteria 13 December 2019. Collection method: clinical testing. Allele origin: germline.
Comment: This variant was observed as part of a predisposition screen in an ostensibly healthy population. A literature search was performed for the gene, cDNA change, and amino acid change (where applicable). No publications were found based on this search. Allele frequency data from public databases allowed determination this variant is unlikely to cause disease. Therefore, this variant is classified as likely benign.

Illumina Laboratory Services, Illumina
Classification: Benign for Acromicric dysplasia. Last evaluated: 2018-01-13. Review status: criteria provided, single submitter. Criteria: ICSL Variant Classification Criteria 13 December 2019. Collection method: clinical testing. Allele origin: germline.
Comment: the same text as in the submission from Illumina Laboratory Services, Illumina above.

Illumina Laboratory Services, Illumina
Classification: Benign for Geleophysic dysplasia. Last evaluated: 2018-01-13. Review status: criteria provided, single submitter. Criteria: ICSL Variant Classification Criteria 13 December 2019. Collection method: clinical testing. Allele origin: germline.
Comment: the same text as in the submission from Illumina Laboratory Services, Illumina above.

Illumina Laboratory Services, Illumina
Classification: Benign for Ectopia lentis 1, isolated, autosomal dominant. Last evaluated: 2018-01-13. Review status: criteria provided, single submitter. Criteria: ICSL Variant Classification Criteria 13 December 2019. Collection method: clinical testing. Allele origin: germline.
Comment: the same text as in the submission from Illumina Laboratory Services, Illumina above.

Illumina Laboratory Services, Illumina
Classification: Uncertain significance for Familial thoracic aortic aneurysm and aortic dissection. Last evaluated: 2018-01-13. Review status: criteria provided, single submitter. Criteria: ICSL Variant Classification Criteria 13 December 2019. Collection method: clinical testing. Allele origin: germline.

Illumina Laboratory Services, Illumina
Classification: Benign for Stiff skin syndrome. Last evaluated: 2018-01-13. Review status: criteria provided, single submitter. Criteria: ICSL Variant Classification Criteria 13 December 2019. Collection method: clinical testing. Allele origin: germline.
Comment: the same text as in the submission from Illumina Laboratory Services, Illumina above.

Ambry Genetics
Classification: Benign for Familial thoracic aortic aneurysm and aortic dissection. Last evaluated: 2017-01-09. Review status: criteria provided, single submitter. Criteria: Ambry Variant Classification Scheme 2023. Collection method: clinical testing. Allele origin: germline.

GeneDx
Classification: Benign. Last evaluated: 2014-02-22. Review status: criteria provided, single submitter. Criteria: GeneDx Variant Classification (06012015). Collection method: clinical testing. Allele origin: germline. Affected: yes.
Comment: This variant is considered likely benign or benign based on one or more of the following criteria: it is a conservative change, it occurs at a poorly conserved position in the protein, it is predicted to be benign by multiple in silico algorithms, and/or has population frequency not consistent with disease.

Laboratory for Molecular Medicine, Mass General Brigham Personalized Medicine
Classification: Likely benign. Last evaluated: 2012-10-23. Review status: criteria provided, single submitter. Criteria: LMM Criteria. Collection method: clinical testing. Allele origin: germline. Observed: 1 variant allele.
Comment: Glu965Glu in Exon 24 of FBN1: This variant is not expected to have clinical sign ificance because it does not alter the amino acid residue and it is not located within the splice consensus sequence. It has been identified in approximately 0. 1% (8/8592) of European American chromosomes from a broad population by the NHLB I Exome Sequencing Project (dbSNP rs140591).

Clinical Genetics DNA and cytogenetics Diagnostics Lab, Erasmus MC, Erasmus Medical Center
Classification: Likely benign. Review status: no assertion criteria provided. Collection method: clinical testing. Allele origin: germline. Affected: yes. Study: VKGL Data-share Consensus. Not counted in ClinVar's aggregate classification.

Genome Diagnostics Laboratory, Amsterdam University Medical Center
Classification: Likely benign. Review status: no assertion criteria provided. Collection method: clinical testing. Allele origin: germline. Affected: yes. Study: VKGL Data-share Consensus. Not counted in ClinVar's aggregate classification.

Literature cited by the submitters: PubMed 26017485 (cited by Mayo Clinic Laboratories, Mayo Clinic).